The following is an entry in ClinVar:

ClinVar aggregate classification (germline): Uncertain significance (1 of 4 stars; one submission).

Submission:

Labcorp Genetics (formerly Invitae), Labcorp
Classification: Uncertain significance. Last evaluated: 2022-03-03. Review status: criteria provided, single submitter. Criteria: Invitae Variant Classification Sherloc (09022015). Collection method: clinical testing. Allele origin: germline.
Comment: In summary, the available evidence is currently insufficient to determine the role of this variant in disease. Therefore, it has been classified as a Variant of Uncertain Significance. Experimental studies and prediction algorithms are not available or were not evaluated, and the functional significance of this variant is currently unknown. This variant has not been reported in the literature in individuals affected with C7-related conditions. This variant is not present in population databases (gnomAD no frequency). This variant, c.1841_1843del, results in the deletion of 1 amino acid(s) of the C7 protein (p.Gly614del), but otherwise preserves the integrity of the reading frame.

NM_000587.4(C7):c.1841_1843del (p.Gly614del)

Gene: C7 (complement C7; plus strand). Cytogenetic location: 5p13.1.
Variant type: Deletion.
Coding change: c.1841_1843del on transcript NM_000587.4 (MANE Select); coding-DNA positions 1841 to 1843, 3 bases deleted (GAG; older notation c.1841_1843delGAG).
Protein change: p.Gly614del; deletes glycine 614.
Molecular consequence: inframe deletion.
Genome position (GRCh38, 1-based): chr5:40,964,832-40,964,834, GAG deleted; deleting any 3 consecutive bases within chr5:40,964,831-40,964,834 gives the same sequence; the c. name uses the placement nearest the transcript's 3' end. VCF-style (leftmost placement, unchanged base first): chr5-40964830-TGGA-T. GRCh37 (hg19) VCF-style: chr5-40964932-TGGA-T.
Other names: short protein forms G614del.
Identifiers: ClinVar variation 1417144 (VCV001417144.6), dbSNP rs1404295833, ClinGen allele CA810660512.